The following is an entry in ClinVar:

NM_000478.6(ALPL):c.853T>C (p.Tyr285His)

Gene: ALPL (alkaline phosphatase, biomineralization associated; plus strand). Cytogenetic location: 1p36.12.
Variant type: single nucleotide variant.
Coding change: c.853T>C on transcript NM_000478.6 (MANE Select); coding-DNA position 853, T replaced by C.
Protein change: p.Tyr285His; replaces tyrosine 285 with histidine.
Molecular consequence: missense variant.
Genome position (GRCh38, 1-based): chr1:21,570,365, T>C. VCF-style: chr1-21570365-T-C. GRCh37 (hg19) VCF-style: chr1-21896858-T-C.
Other names: c.688T>C, p.Tyr230His (NM_001127501.4); c.622T>C, p.Tyr208His (NM_001177520.3); c.853T>C, p.Tyr285His (NM_001369803.2, NM_001369804.2, NM_001369805.2); short protein forms Y285H, Y230H, Y208H.
Identifiers: ClinVar variation 4737523 (VCV004737523.1).
Genomic context (GRCh38, chr1:21,570,365, plus strand): 5'-CACTCCCACTTCATCTGGAACCGCACGGAACTCCTGACCCTTGACCCCCACAATGTGGAC[T>C]ACCTATTGGGTAAGTGGAGGGGGTGGAGGGGAGGATGCATGGCTCGGAGCCTGGTGGCCG-3'
Protein context (NP_000469.3, residues 275-295): LLTLDPHNVD[Tyr285His]LLGLFEPGDM

ClinVar aggregate classification (germline): Uncertain significance (1 of 4 stars; one submission).

Submission:

Labcorp Genetics (formerly Invitae), Labcorp
Classification: Uncertain significance. Last evaluated: 2025-05-21. Review status: criteria provided, single submitter. Criteria: Invitae Variant Classification Sherloc (09022015). Collection method: clinical testing. Allele origin: germline.
Comment: This sequence change replaces tyrosine, which is neutral and polar, with histidine, which is basic and polar, at codon 285 of the ALPL protein (p.Tyr285His). This variant is not present in population databases (gnomAD no frequency). This variant has not been reported in the literature in individuals affected with ALPL-related conditions. Invitae Evidence Modeling of protein sequence and biophysical properties (such as structural, functional, and spatial information, amino acid conservation, physicochemical variation, residue mobility, and thermodynamic stability) indicates that this missense variant is expected to disrupt ALPL protein function with a positive predictive value of 95%. In summary, the available evidence is currently insufficient to determine the role of this variant in disease. Therefore, it has been classified as a Variant of Uncertain Significance.